The following is an entry in ClinVar:

ClinVar aggregate classification (germline): Likely benign. Review status: criteria provided, multiple submitters, no conflicts (2 of 4 stars). 3 submissions from 3 submitters: Likely benign (2). 1 of the submissions does not count toward it. Last evaluated 2025-08-25.

Conditions:
Retinitis pigmentosa 71 (RP71). Identifiers: Orphanet 791, MedGen C4225342, MONDO:0014618, OMIM 616394.
Short-rib thoracic dysplasia 10 with or without polydactyly (SRTD10). Identifiers: Orphanet 474, MedGen C3810175, MONDO:0014284, OMIM 615630.
IFT172-related disorder. Also called: IFT172-related condition; IFT172-related disorders.

Allele frequency attached by ClinVar (database versions not stated): gnomAD 0.00001; TOPMed 0.00001; ExAC 0.00002; gnomAD exomes 0.00002 and 0.00003.
gnomAD v4.1: 41 of 1,614,036 alleles (0.0025%); highest among the groups gnomAD compares: Middle Eastern, 0.016%; no homozygotes.

Submissions (3):

Labcorp Genetics (formerly Invitae), Labcorp
Classification: Likely benign for Retinitis pigmentosa 71; Short-rib thoracic dysplasia 10 with or without polydactyly. Last evaluated: 2025-08-25. Review status: criteria provided, single submitter. Criteria: Invitae Variant Classification Sherloc (09022015). Collection method: clinical testing. Allele origin: germline.

GeneDx
Classification: Likely benign. Last evaluated: 2018-09-25. Review status: criteria provided, single submitter. Criteria: GeneDx Variant Classification Process June 2021. Collection method: clinical testing. Allele origin: germline. Affected: yes.

PreventionGenetics, part of Exact Sciences
Classification: Likely benign for IFT172-related condition. Last evaluated: 2021-08-23. Review status: no assertion criteria provided. Collection method: clinical testing. Allele origin: germline. Not counted in ClinVar's aggregate classification.
Comment: This variant is classified as likely benign based on ACMG/AMP sequence variant interpretation guidelines (Richards et al. 2015 PMID: 25741868, with internal and published modifications).

NM_015662.3(IFT172):c.4248T>C (p.Ala1416=)

Gene: IFT172 (intraflagellar transport 172; minus strand). Cytogenetic location: 2p23.3.
Variant type: single nucleotide variant.
Coding change: c.4248T>C on transcript NM_015662.3 (MANE Select); coding-DNA position 4248, T replaced by C.
Protein change: p.Ala1416=; no amino-acid change (alanine 1416 retained).
Molecular consequence: synonymous variant.
Genome position (GRCh38, 1-based): chr2:27,449,357, A>G on the plus strand (T>C on the coding strand, the complement: IFT172 is on the minus strand). VCF-style: chr2-27449357-A-G. GRCh37 (hg19) VCF-style: chr2-27672224-A-G.
Identifiers: ClinVar variation 1189104 (VCV001189104.12), dbSNP rs754200053, ClinGen allele CA1579669.